The following is an entry in ClinVar:

ClinVar aggregate classification (germline): Likely pathogenic (1 of 4 stars; one submission).

Conditions:
Autism spectrum disorder - epilepsy - arthrogryposis syndrome (AMRS). Identifiers: Orphanet 370943, MedGen C3809910, MONDO:0014248, OMIM 615553.

Submission:

Natera, Inc.
Classification: Likely pathogenic for Arthrogryposis, mental retardation, and seizures. Last evaluated: 2025-08-10. Review status: criteria provided, single submitter. Criteria: Natera Variant Classification Schema (03/2026). Collection method: clinical testing. Allele origin: germline.
Comment: The c.893_896del variant in SLC35A3 is a frameshift variant predicted to shift the reading frame beginning at codon 298 and leads to a stop codon 7 codons downstream. This variant is expected to result in nonsense mediated decay, truncation, or a dysfunctional protein product. This variant is rare in the general population with a frequency below the threshold expected for the associated phenotype(s). Given the available evidence, this variant is classified as Likely Pathogenic.

NM_012243.3(SLC35A3):c.893_896del (p.Phe298fs)

Gene: SLC35A3 (solute carrier family 35 member A3; plus strand). Cytogenetic location: 1p21.2.
Variant type: Deletion.
Coding change: c.893_896del on transcript NM_012243.3 (MANE Select); coding-DNA positions 893 to 896, 4 bases deleted (TTTT; older notation c.893_896delTTTT).
Protein change: p.Phe298fs; shifts the reading frame from phenylalanine 298.
Molecular consequence: frameshift variant.
Genome position (GRCh38, 1-based): chr1:100,022,391-100,022,394, TTTT deleted; deleting any 4 consecutive bases within chr1:100,022,390-100,022,394 gives the same sequence; the c. name uses the placement nearest the transcript's 3' end. VCF-style (leftmost placement, unchanged base first): chr1-100022389-CTTTT-C. GRCh37 (hg19) VCF-style: chr1-100487945-CTTTT-C.
Other names: c.640_643del, p.Phe214fs (NM_001271684.2); c.1019_1022del, p.Phe340fs (NM_001271685.2); c.636_639del, p.Phe213fs (NM_001437713.1); c.770_773del, p.Phe257fs (NM_001437717.1); c.893_896del, p.Phe298fs (NM_001438725.1); c.759_762del, p.Phe254fs (NM_001438728.1); c.517_520del, p.Phe173fs (NM_001438729.1); short protein forms F173fs, F213fs, F214fs, F254fs, F257fs, F298fs, F340fs.
Identifiers: ClinVar variation 4815566 (VCV004815566.1).